The following is an entry in ClinVar:

NM_004260.4(RECQL4):c.2417G>A (p.Gly806Glu)

Gene: RECQL4 (RecQ like helicase 4; minus strand). Cytogenetic location: 8q24.3.
Variant type: single nucleotide variant.
Coding change: c.2417G>A on transcript NM_004260.4 (MANE Select); coding-DNA position 2417, G replaced by A.
Protein change: p.Gly806Glu; replaces glycine 806 with glutamic acid.
Molecular consequence: missense variant.
Genome position (GRCh38, 1-based): chr8:144,513,264, C>T on the plus strand (G>A on the coding strand, the complement: RECQL4 is on the minus strand). VCF-style: chr8-144513264-C-T. GRCh37 (hg19) VCF-style: chr8-145738647-C-T.
Other names: short protein forms G806E.
Identifiers: ClinVar variation 239726 (VCV000239726.13), dbSNP rs762456224, ClinGen allele CA4948302.

ClinVar aggregate classification (germline): Uncertain significance. Review status: criteria provided, multiple submitters, no conflicts (2 of 4 stars). 4 submissions from 4 submitters: Uncertain significance (3). 1 of the submissions does not count toward it. Last evaluated 2024-12-31.

Conditions:
RECQL4-related disorder. Also called: RECQL4-related condition; RECQL4-related disorders.
Rothmund-Thomson syndrome type 2 (RTS2). Identifiers: Orphanet 221016, MedGen C5203410, MONDO:0016369, OMIM 268400.
Baller-Gerold syndrome (BGS). Also called: CRANIOSYNOSTOSIS WITH RADIAL DEFECTS. Identifiers: Orphanet 1225, MedGen C0265308, MONDO:0009039, OMIM 218600.
Rapadilino syndrome. Identifiers: Orphanet 3021, MedGen C1849453, MONDO:0009955, OMIM 266280.

Allele frequency attached by ClinVar (database versions not stated): ExAC 0.00011; gnomAD exomes 0.00012 and 0.00049; TOPMed 0.00026; gnomAD 0.00033 and 0.00035.
gnomAD v4.1: 759 of 1,593,422 alleles (0.048%); highest among the groups gnomAD compares: Non-Finnish European, 0.061%; no homozygotes.

Submissions (4):

Labcorp Genetics (formerly Invitae), Labcorp
Classification: Uncertain significance for Baller-Gerold syndrome. Last evaluated: 2024-12-31. Review status: criteria provided, single submitter. Criteria: Invitae Variant Classification Sherloc (09022015). Collection method: clinical testing. Allele origin: germline.
Comment: This sequence change replaces glycine, which is neutral and non-polar, with glutamic acid, which is acidic and polar, at codon 806 of the RECQL4 protein (p.Gly806Glu). This variant is present in population databases (rs762456224, gnomAD 0.03%). This variant has not been reported in the literature in individuals affected with RECQL4-related conditions. ClinVar contains an entry for this variant (Variation ID: 239726). Invitae Evidence Modeling of protein sequence and biophysical properties (such as structural, functional, and spatial information, amino acid conservation, physicochemical variation, residue mobility, and thermodynamic stability) indicates that this missense variant is expected to disrupt RECQL4 protein function with a positive predictive value of 80%. In summary, the available evidence is currently insufficient to determine the role of this variant in disease. Therefore, it has been classified as a Variant of Uncertain Significance.

Fulgent Genetics
Classification: Uncertain significance for Baller-Gerold syndrome; Rapadilino syndrome; Rothmund-Thomson syndrome type 2. Last evaluated: 2022-04-20. Review status: criteria provided, single submitter. Criteria: ACMG Guidelines, 2015. Collection method: clinical testing. Allele origin: unknown.

GeneDx
Classification: Uncertain significance. Last evaluated: 2020-05-08. Review status: criteria provided, single submitter. Criteria: GeneDx Variant Classification Process June 2021. Collection method: clinical testing. Allele origin: germline. Affected: yes.
Comment: In silico analysis supports that this missense variant has a deleterious effect on protein structure/function; Has not been previously published as pathogenic or benign to our knowledge

PreventionGenetics, part of Exact Sciences
Classification: Uncertain significance for RECQL4-related condition. Last evaluated: 2024-02-07. Review status: no assertion criteria provided. Collection method: clinical testing. Allele origin: germline. Not counted in ClinVar's aggregate classification.
Comment: The RECQL4 c.2417G>A variant is predicted to result in the amino acid substitution p.Gly806Glu. To our knowledge, this variant has not been reported in the literature. This variant is reported in 0.028% of alleles in individuals of European (Non-Finnish) descent in gnomAD. At this time, the clinical significance of this variant is uncertain due to the absence of conclusive functional and genetic evidence.